The following is an entry in ClinVar:

NM_020921.4(NIN):c.3343T>C (p.Phe1115Leu)

Gene: NIN (ninein; minus strand). Cytogenetic location: 14q22.1.
Variant type: single nucleotide variant.
Coding change: c.3343T>C on transcript NM_020921.4 (MANE Select); coding-DNA position 3343, T replaced by C.
Protein change: p.Phe1115Leu; replaces phenylalanine 1115 with leucine.
Molecular consequence: missense variant. On other transcripts: intron variant (1).
Genome position (GRCh38, 1-based): chr14:50,757,687, A>G on the plus strand (T>C on the coding strand, the complement: NIN is on the minus strand). VCF-style: chr14-50757687-A-G. GRCh37 (hg19) VCF-style: chr14-51224405-A-G.
Other names: c.3343T>C, p.Phe1115Leu (NM_182944.3, NM_182946.2); c.2399+2170T>C (NM_016350.5); short protein forms F1115L.
Identifiers: ClinVar variation 4714931 (VCV004714931.1).

ClinVar aggregate classification (germline): Uncertain significance (1 of 4 stars; one submission).

gnomAD v4.1: 1 of 1,613,946 alleles (0.000062%); highest among the groups gnomAD compares: Non-Finnish European, 0.000085%; no homozygotes.

Submission:

Labcorp Genetics (formerly Invitae), Labcorp
Classification: Uncertain significance. Last evaluated: 2025-03-12. Review status: criteria provided, single submitter. Criteria: Invitae Variant Classification Sherloc (09022015). Collection method: clinical testing. Allele origin: germline.
Comment: This sequence change replaces phenylalanine, which is neutral and non-polar, with leucine, which is neutral and non-polar, at codon 1115 of the NIN protein (p.Phe1115Leu). This variant is present in population databases (no rsID available, gnomAD 0.006%). This variant has not been reported in the literature in individuals affected with NIN-related conditions. An algorithm developed to predict the effect of missense changes on protein structure and function outputs the following: PolyPhen-2: "Benign". The leucine amino acid residue is found in multiple mammalian species, which suggests that this missense change does not adversely affect protein function. In summary, the available evidence is currently insufficient to determine the role of this variant in disease. Therefore, it has been classified as a Variant of Uncertain Significance.